The following is an entry in ClinVar:

NM_006662.3(SRCAP):c.7087G>A (p.Gly2363Arg)

Gene: SRCAP (Snf2 related CREBBP activator protein; plus strand). Cytogenetic location: 16p11.2.
Variant type: single nucleotide variant.
Coding change: c.7087G>A on transcript NM_006662.3 (MANE Select); coding-DNA position 7087, G replaced by A.
Protein change: p.Gly2363Arg; replaces glycine 2363 with arginine.
Molecular consequence: missense variant.
Genome position (GRCh38, 1-based): chr16:30,737,127, G>A. VCF-style: chr16-30737127-G-A. GRCh37 (hg19) VCF-style: chr16-30748448-G-A.
Other names: short protein forms G2363R.
Identifiers: ClinVar variation 3629393 (VCV003629393.4).

ClinVar aggregate classification (germline): Uncertain significance. Review status: criteria provided, multiple submitters, no conflicts (2 of 4 stars). 2 submissions from 2 submitters: Uncertain significance (2). Last evaluated 2026-06-01.

gnomAD v4.1: 1 of 1,613,834 alleles (0.000062%); highest among the groups gnomAD compares: African/African-American, 0.0013%; no homozygotes.

Submissions (2):

CeGaT Center for Human Genetics Tuebingen
Classification: Uncertain significance. Last evaluated: 2026-06-01. Review status: criteria provided, single submitter. Criteria: CeGaT Center For Human Genetics Tuebingen Variant Classification Criteria Version 2. Collection method: clinical testing. Allele origin: germline. Affected: yes. Observed: 1 variant allele.
Comment: SRCAP: PM2, BP1

Labcorp Genetics (formerly Invitae), Labcorp
Classification: Uncertain significance. Last evaluated: 2024-06-21. Review status: criteria provided, single submitter. Criteria: Invitae Variant Classification Sherloc (09022015). Collection method: clinical testing. Allele origin: germline.
Comment: This sequence change replaces glycine, which is neutral and non-polar, with arginine, which is basic and polar, at codon 2363 of the SRCAP protein (p.Gly2363Arg). This variant is not present in population databases (gnomAD no frequency). This variant has not been reported in the literature in individuals affected with SRCAP-related conditions. Advanced modeling of protein sequence and biophysical properties (such as structural, functional, and spatial information, amino acid conservation, physicochemical variation, residue mobility, and thermodynamic stability) performed at Invitae indicates that this missense variant is not expected to disrupt SRCAP protein function with a negative predictive value of 80%. In summary, the available evidence is currently insufficient to determine the role of this variant in disease. Therefore, it has been classified as a Variant of Uncertain Significance.